The following is an entry in ClinVar:

NM_006361.6(HOXB13):c.542A>G (p.Gln181Arg)

Gene: HOXB13 (homeobox B13; minus strand). Cytogenetic location: 17q21.32.
Variant type: single nucleotide variant.
Coding change: c.542A>G on transcript NM_006361.6 (MANE Select); coding-DNA position 542, A replaced by G.
Protein change: p.Gln181Arg; replaces glutamine 181 with arginine.
Molecular consequence: missense variant.
Genome position (GRCh38, 1-based): chr17:48,728,052, T>C on the plus strand (A>G on the coding strand, the complement: HOXB13 is on the minus strand). VCF-style: chr17-48728052-T-C. GRCh37 (hg19) VCF-style: chr17-46805414-T-C.
Other names: short protein forms Q181R.
Identifiers: ClinVar variation 3858422 (VCV003858422.1).
Genomic context (GRCh38, chr17:48,728,052, plus strand): 5'-CCTGCAAATGCTGCCTTCCAAAAGGGACCTGGTGGGTTCTGTTCTCCCTGGCAACACATC[T>C]GGCTGTTCCAGCCACCAGCGAGAGCCCAAGACTGGTAACTGTCCACAGGCAACAGGGAGT-3'
Protein context (NP_006352.2, residues 171-191): SWALAGGWNS[Gln181Arg]MCCQGEQNPP

ClinVar aggregate classification (germline): Uncertain significance (1 of 4 stars; one submission).

Conditions:
Hereditary cancer-predisposing syndrome. Also called: Hereditary neoplastic syndrome; Neoplastic Syndromes, Hereditary; Tumor predisposition; Hereditary Cancer Syndrome. Identifiers: Orphanet 140162, MedGen C0027672, MeSH D009386, MONDO:0015356.

gnomAD v4.1: 1 of 1,614,212 alleles (0.000062%); highest among the groups gnomAD compares: Admixed American, 0.0017%; no homozygotes.

Submission:

Ambry Genetics
Classification: Uncertain significance for Hereditary cancer-predisposing syndrome. Last evaluated: 2024-12-16. Review status: criteria provided, single submitter. Criteria: Ambry Variant Classification Scheme 2023. Collection method: clinical testing. Allele origin: germline.
Comment: The p.Q181R variant (also known as c.542A>G), located in coding exon 1 of the HOXB13 gene, results from an A to G substitution at nucleotide position 542. The glutamine at codon 181 is replaced by arginine, an amino acid with highly similar properties. This amino acid position is highly conserved in available vertebrate species. In addition, this alteration is predicted to be deleterious by in silico analysis. Based on the available evidence, the clinical significance of this variant remains unclear.